The following is an entry in ClinVar:

NM_001379500.1(COL18A1):c.2118del (p.Gly707fs)

Gene: COL18A1 (collagen type XVIII alpha 1 chain; plus strand). Cytogenetic location: 21q22.3.
Variant type: Deletion.
Coding change: c.2118del on transcript NM_001379500.1 (MANE Select); coding-DNA position 2118, one base deleted (C; older notation c.2118delC).
Protein change: p.Gly707fs; shifts the reading frame from glycine 707.
Molecular consequence: frameshift variant.
Genome position (GRCh38, 1-based): chr21:45,491,275, C deleted; the last of 7 consecutive C bases (chr21:45,491,269-45,491,275); deleting any one gives the same sequence. VCF-style (leftmost placement, unchanged base first): chr21-45491268-GC-G. GRCh37 (hg19) VCF-style: chr21-46911182-GC-G.
Other names: c.2658del, p.Gly887fs (NM_030582.4); c.3363del, p.Gly1122fs (NM_130444.3); short protein forms G707fs, G1122fs, G887fs.
Identifiers: ClinVar variation 1416901 (VCV001416901.6), dbSNP rs775168204, ClinGen allele CA10066805.

ClinVar aggregate classification (germline): Pathogenic (1 of 4 stars; one submission).

Submission:

Labcorp Genetics (formerly Invitae), Labcorp
Classification: Pathogenic. Last evaluated: 2025-06-11. Review status: criteria provided, single submitter. Criteria: Invitae Variant Classification Sherloc (09022015). Collection method: clinical testing. Allele origin: germline.
Comment: This sequence change creates a premature translational stop signal (p.Gly707Aspfs*17) in the COL18A1 gene. It is expected to result in an absent or disrupted protein product. Loss-of-function variants in COL18A1 are known to be pathogenic (PMID: 12415512, 25456301). The frequency data for this variant in the population databases is considered unreliable, as metrics indicate poor data quality at this position in the gnomAD database. This variant has not been reported in the literature in individuals affected with COL18A1-related conditions. ClinVar contains an entry for this variant (Variation ID: 1416901). For these reasons, this variant has been classified as Pathogenic.

Literature cited by the submitters: PubMed 12415512; PubMed 25456301.